The following is an entry in ClinVar:

NM_002473.6(MYH9):c.3688G>A (p.Ala1230Thr)

Gene: MYH9 (myosin heavy chain 9; minus strand). Cytogenetic location: 22q12.3.
Variant type: single nucleotide variant.
Coding change: c.3688G>A on transcript NM_002473.6 (MANE Select); coding-DNA position 3688, G replaced by A.
Protein change: p.Ala1230Thr; replaces alanine 1230 with threonine.
Molecular consequence: missense variant.
Genome position (GRCh38, 1-based): chr22:36,294,241, C>T on the plus strand (G>A on the coding strand, the complement: MYH9 is on the minus strand). VCF-style: chr22-36294241-C-T. GRCh37 (hg19) VCF-style: chr22-36690287-C-T.
Other names: short protein forms A1230T.
Identifiers: ClinVar variation 4887424 (VCV004887424.1).

ClinVar aggregate classification (germline): Uncertain significance (1 of 4 stars; one submission).

gnomAD v4.1: 5 of 1,614,026 alleles (0.00031%); highest among the groups gnomAD compares: African/African-American, 0.004%; no homozygotes.

Submission:

Women's Health and Genetics/Laboratory Corporation of America, LabCorp
Classification: Uncertain significance. Last evaluated: 2026-06-08. Review status: criteria provided, single submitter. Criteria: LabCorp Variant Classification Summary - May 2015. Collection method: clinical testing. Allele origin: germline.
Comment: Variant summary: MYH9 c.3688G>A (p.Ala1230Thr) results in a non-conservative amino acid change in the encoded protein sequence. Algorithms developed to predict the effect of missense changes on protein structure and function are either unavailable or do not agree on the potential impact of this missense change. The variant allele was found at a frequency of 4e-06 in 251330 control chromosomes. The available data on variant occurrences in the general population are insufficient to allow any conclusion about variant significance. To our knowledge, no occurrence of c.3688G>A in individuals affected with MYH9-related conditions and no experimental evidence demonstrating its impact on protein function have been reported. No submitters have cited clinical-significance assessments for this variant to ClinVar. Based on the evidence outlined above, the variant was classified as uncertain significance.